The following is an entry in ClinVar:

NM_007052.5(NOX1):c.340A>G (p.Ile114Val)

Gene: NOX1 (NADPH oxidase 1; minus strand). Cytogenetic location: Xq22.1.
Variant type: single nucleotide variant.
Coding change: c.340A>G on transcript NM_007052.5 (MANE Select); coding-DNA position 340, A replaced by G.
Protein change: p.Ile114Val; replaces isoleucine 114 with valine.
Molecular consequence: missense variant.
Genome position (GRCh38, 1-based): chrX:100,862,818, T>C on the plus strand (A>G on the coding strand, the complement: NOX1 is on the minus strand). VCF-style: chrX-100862818-T-C. GRCh37 (hg19) VCF-style: chrX-100117807-T-C.
Other names: NC_000023.10:g.100117807T>C; c.340A>G, p.Ile114Val (NM_013955.3); c.229A>G, p.Ile77Val (NM_001271815.2); short protein forms I114V, I77V.
Identifiers: ClinVar variation 3048539 (VCV003048539.3), dbSNP rs149219547, ClinGen allele CA10470686.

ClinVar aggregate classification (germline): Benign (0 of 4 stars; one submission).

Conditions:
NOX1-related disorder. Also called: NOX1-related condition.

Allele frequency attached by ClinVar (database versions not stated): gnomAD exomes 0.00026; ExAC 0.00089; gnomAD 0.00227; ESP Exome Variant Server 0.00275; TOPMed 0.00276; 1000 Genomes Project 30x 0.00416; 1000 Genomes Project 0.00424.
gnomAD v4.1: 560 of 1,196,532 alleles (0.047%); highest among the groups gnomAD compares: African/African-American, 0.86%; 3 homozygotes.

Submissions (2):

PreventionGenetics, part of Exact Sciences
Classification: Benign for NOX1-related condition. Last evaluated: 2024-08-26. Review status: no assertion criteria provided. Collection method: clinical testing. Allele origin: germline.
Comment: This variant is classified as benign based on ACMG/AMP sequence variant interpretation guidelines (Richards et al. 2015 PMID: 25741868, with internal and published modifications).

Dr. Peter K. Rogan Lab, Western University
No classification provided (evidence only). Condition: Cervical cancer. Review status: no classification provided. Collection method: in vitro. Allele origin: not applicable. Functional consequence: retained intron. Not counted in ClinVar's aggregate classification.